The following is an entry in ClinVar:

NM_138927.4(SON):c.3755C>T (p.Pro1252Leu)

Gene: SON (SON DNA and RNA binding protein; plus strand). Cytogenetic location: 21q22.11.
Variant type: single nucleotide variant.
Coding change: c.3755C>T on transcript NM_138927.4 (MANE Select); coding-DNA position 3755, C replaced by T.
Protein change: p.Pro1252Leu; replaces proline 1252 with leucine.
Molecular consequence: missense variant. On other transcripts: non-coding transcript variant (1), intron variant (1).
Genome position (GRCh38, 1-based): chr21:33,552,986, C>T. VCF-style: chr21-33552986-C-T. GRCh37 (hg19) VCF-style: chr21-34925292-C-T.
Other names: c.3755C>T, p.Pro1252Leu (NM_001291411.2, NM_001412133.1, NM_032195.3 and 2 more transcripts); c.245-4170C>T (NM_001291412.3); short protein forms P1252L.
Identifiers: ClinVar variation 2499972 (VCV002499972.1), dbSNP rs1258475746, ClinGen allele CA410160850.
Genomic context (GRCh38, chr21:33,552,986, plus strand): 5'-TGTCAGCATCAGATCCCTCAGTTTTAGTATCAGAGGCTGCTGTGACTGTTCCAGAACCAC[C>T]ACCAGAGCCAGAATCTTCAATTACGTTAACACCTGTAGAGTCTGCAGTAGTAGCAGAAGA-3'
Protein context (NP_620305.3, residues 1242-1262): SEAAVTVPEP[Pro1252Leu]PEPESSITLT

ClinVar aggregate classification (germline): Uncertain significance (1 of 4 stars; one submission).

Allele frequency attached by ClinVar (database versions not stated): gnomAD exomes below 0.00001; TOPMed below 0.00001; gnomAD 0.00001.
gnomAD v4.1: 2 of 1,614,022 alleles (0.00012%); highest among the groups gnomAD compares: African/African-American, 0.0027%; no homozygotes.

Submission:

GeneDx
Classification: Uncertain significance. Last evaluated: 2022-10-20. Review status: criteria provided, single submitter. Criteria: GeneDx Variant Classification Process June 2021. Collection method: clinical testing. Allele origin: germline. Affected: yes.
Comment: In silico analysis supports that this missense variant does not alter protein structure/function; Has not been previously published as pathogenic or benign to our knowledge